The following is an entry in ClinVar:

NC_000012.12:g.6125723C>T

Gene: VWF (von Willebrand factor; minus strand). Cytogenetic location: 12p13.31.
Variant type: single nucleotide variant.
Genome position: GRCh38 VCF-style: chr12-6125723-C-T. GRCh37 (hg19) VCF-style: chr12-6234889-C-T.
Identifiers: ClinVar variation 619927 (VCV000619927.7), dbSNP rs7965413, ClinGen allele CA13661245.

ClinVar aggregate classification (germline): Benign. Review status: criteria provided, single submitter (1 of 4 stars). 2 submissions from 2 submitters: Benign (1). 1 of the submissions does not count toward it. Last evaluated 2018-04-12.

Conditions:
VWF-related disorder. Also called: VWF-related disorders; VWF-related condition.

Allele frequency attached by ClinVar (database versions not stated): 1000 Genomes Project 30x 0.44706; gnomAD 0.53023 and 0.53288; 1000 Genomes Project 0.44369; TOPMed 0.51470.

Submissions (2):

Quest Diagnostics Nichols Institute San Juan Capistrano
Classification: Benign. Last evaluated: 2018-04-12. Review status: criteria provided, single submitter. Criteria: Quest Diagnostics criteria. Collection method: clinical testing. Allele origin: germline.

PreventionGenetics, part of Exact Sciences
Classification: Benign for VWF-related condition. Last evaluated: 2019-03-05. Review status: no assertion criteria provided. Collection method: clinical testing. Allele origin: germline. Not counted in ClinVar's aggregate classification.
Comment: This variant is classified as benign based on ACMG/AMP sequence variant interpretation guidelines (Richards et al. 2015 PMID: 25741868, with internal and published modifications).